The following is an entry in ClinVar:

NM_001350451.2(RBFOX3):c.89C>T (p.Thr30Met)

Gene: RBFOX3 (RNA binding fox-1 homolog 3; minus strand). Cytogenetic location: 17q25.3.
Variant type: single nucleotide variant.
Coding change: c.89C>T on transcript NM_001350451.2 (MANE Select); coding-DNA position 89, C replaced by T.
Protein change: p.Thr30Met; replaces threonine 30 with methionine.
Molecular consequence: missense variant.
Genome position (GRCh38, 1-based): chr17:79,115,627, G>A on the plus strand (C>T on the coding strand, the complement: RBFOX3 is on the minus strand). VCF-style: chr17-79115627-G-A. GRCh37 (hg19) VCF-style: chr17-77111709-G-A.
Other names: c.89C>T, p.Thr30Met (NM_001385804.1, NM_001385805.1, NM_001385806.1 and 43 more transcripts); c.89C>T (NM_001082575.2, NM_001082575.1); short protein forms T30M.
Identifiers: ClinVar variation 1011747 (VCV001011747.11), dbSNP rs747394355, ClinGen allele CA8810349.

ClinVar aggregate classification (germline): Uncertain significance. Review status: criteria provided, multiple submitters, no conflicts (2 of 4 stars). 3 submissions from 3 submitters: Uncertain significance (3). Last evaluated 2025-10-07.

Conditions:
RBFOX3-related disorder. Also called: RBFOX3-related condition.
Idiopathic generalized epilepsy. Also called: Generalised epilepsy; EIG. Identifiers: MedGen C0270850, MONDO:0005579, OMIM 600669.

Allele frequency attached by ClinVar (database versions not stated): gnomAD exomes 0.00001 and 0.00018; gnomAD 0.00003 and 0.00004; TOPMed 0.00006; ExAC 0.00012.
gnomAD v4.1: 238 of 1,439,436 alleles (0.017%); highest among the groups gnomAD compares: Non-Finnish European, 0.021%; no homozygotes.

Submissions (3):

PreventionGenetics, part of Exact Sciences
Classification: Uncertain significance for RBFOX3-related condition. Last evaluated: 2025-10-07. Review status: criteria provided, single submitter. Criteria: ACMG Guidelines, 2015. Collection method: clinical testing. Allele origin: germline.
Comment: The RBFOX3 c.89C>T variant is predicted to result in the amino acid substitution p.Thr30Met. To our knowledge, this variant has not been reported in the literature. This variant is reported in 0.0047% of alleles in individuals of European (non-Finnish) descent in gnomAD. At this time, the clinical significance of this variant is uncertain due to the absence of conclusive functional and genetic evidence.

Ambry Genetics
Classification: Uncertain significance. Last evaluated: 2025-08-08. Review status: criteria provided, single submitter. Criteria: Ambry Variant Classification Scheme 2023. Collection method: clinical testing. Allele origin: germline.

Labcorp Genetics (formerly Invitae), Labcorp
Classification: Uncertain significance for Idiopathic generalized epilepsy. Last evaluated: 2025-07-02. Review status: criteria provided, single submitter. Criteria: Invitae Variant Classification Sherloc (09022015). Collection method: clinical testing. Allele origin: germline.
Comment: This sequence change replaces threonine, which is neutral and polar, with methionine, which is neutral and non-polar, at codon 30 of the RBFOX3 protein (p.Thr30Met). The frequency data for this variant in the population databases is considered unreliable, as metrics indicate poor data quality at this position in the gnomAD database. This variant has not been reported in the literature in individuals affected with RBFOX3-related conditions. ClinVar contains an entry for this variant (Variation ID: 1011747). Invitae Evidence Modeling of protein sequence and biophysical properties (such as structural, functional, and spatial information, amino acid conservation, physicochemical variation, residue mobility, and thermodynamic stability) indicates that this missense variant is not expected to disrupt RBFOX3 protein function with a negative predictive value of 80%. In summary, the available evidence is currently insufficient to determine the role of this variant in disease. Therefore, it has been classified as a Variant of Uncertain Significance.